The following is an entry in ClinVar:

NM_000069.3(CACNA1S):c.2673C>T (p.Ser891=)

Gene: CACNA1S (calcium voltage-gated channel subunit alpha1 S; minus strand). Cytogenetic location: 1q32.1.
Variant type: single nucleotide variant.
Coding change: c.2673C>T on transcript NM_000069.3 (MANE Select); coding-DNA position 2673, C replaced by T.
Protein change: p.Ser891=; no amino-acid change (serine 891 retained).
Molecular consequence: synonymous variant.
Genome position (GRCh38, 1-based): chr1:201,066,301, G>A on the plus strand (C>T on the coding strand, the complement: CACNA1S is on the minus strand). VCF-style: chr1-201066301-G-A. GRCh37 (hg19) VCF-style: chr1-201035429-G-A.
Other names: p.Ser891=.
Identifiers: ClinVar variation 254819 (VCV000254819.22), dbSNP rs16847623, ClinGen allele CA079213.

ClinVar aggregate classification (germline): Benign. Review status: criteria provided, multiple submitters, no conflicts (2 of 4 stars). 13 submissions from 10 submitters: Benign (13). Last evaluated 2026-02-03.

Conditions:
Malignant hyperthermia, susceptibility to, 5 (MHS5). Also called: CACNA1S-Related Malignant Hyperthermia Susceptibility. Identifiers: Orphanet 423, MedGen C1866077, MONDO:0011163, OMIM 601887.
Hypokalemic periodic paralysis, type 1. Also called: HypoPP; Hypokalemic Periodic Paralysis Type 1 (AD). Identifiers: Orphanet 681, MedGen C3714580, MONDO:0042979, OMIM 170400.
Congenital myopathy 18. Also called: DIHYDROPYRIDINE RECEPTOR CONGENITAL MYOPATHY; DHPR CONGENITAL MYOPATHY; Myopathy, congenital, due to dihydropyridine receptor defect. Identifiers: MedGen C5830283, MONDO:0859514, OMIM 620246.
Thyrotoxic periodic paralysis, susceptibility to, 1 (TTPP1). Identifiers: Orphanet 79102, MedGen C2749982, MONDO:0008570, OMIM 188580.

Allele frequency attached by ClinVar (database versions not stated): gnomAD exomes 0.00549 and 0.01093; ExAC 0.01208; gnomAD 0.02730 and 0.02892; TOPMed 0.03263; 1000 Genomes Project 0.03474; 1000 Genomes Project 30x 0.03857; ESP Exome Variant Server 0.03037.
gnomAD v4.1: 12,540 of 1,611,918 alleles (0.78%); highest among the groups gnomAD compares: African/African-American, 8.4%; 335 homozygotes.

Submissions (13):

Labcorp Genetics (formerly Invitae), Labcorp
Classification: Benign for Hypokalemic periodic paralysis, type 1; Malignant hyperthermia, susceptibility to, 5. Last evaluated: 2026-02-03. Review status: criteria provided, single submitter. Criteria: Invitae Variant Classification Sherloc (09022015). Collection method: clinical testing. Allele origin: germline.

All of Us Research Program, National Institutes of Health
Classification: Benign for Malignant hyperthermia, susceptibility to, 5. Last evaluated: 2024-02-05. Review status: criteria provided, single submitter. Criteria: ACMG Guidelines, 2015. Collection method: clinical testing. Allele origin: germline. Inheritance: Autosomal dominant inheritance. Observed: 2,478 variant alleles, 2,428 heterozygotes, 50 homozygotes.
Comment: This study involves interpretation of variants in research participants for the purpose of population health screening. Participant phenotype was not available at the time of variant classification. Additional details can be found in publication PMID: 35346344, PMCID: PMC8962531

Genome-Nilou Lab
Classification: Benign for Malignant hyperthermia, susceptibility to, 5. Last evaluated: 2023-04-11. Review status: criteria provided, single submitter. Criteria: ACMG Guidelines, 2015. Collection method: clinical testing. Allele origin: germline. Affected: no.

Genome-Nilou Lab
Classification: Benign for Thyrotoxic periodic paralysis, susceptibility to, 1. Last evaluated: 2023-04-11. Review status: criteria provided, single submitter. Criteria: ACMG Guidelines, 2015. Collection method: clinical testing. Allele origin: germline. Affected: no.

Genome-Nilou Lab
Classification: Benign for Congenital myopathy 18. Last evaluated: 2023-04-11. Review status: criteria provided, single submitter. Criteria: ACMG Guidelines, 2015. Collection method: clinical testing. Allele origin: germline. Affected: no.

Genome-Nilou Lab
Classification: Benign for Hypokalemic periodic paralysis, type 1. Last evaluated: 2023-04-11. Review status: criteria provided, single submitter. Criteria: ACMG Guidelines, 2015. Collection method: clinical testing. Allele origin: germline. Affected: no.

Color Diagnostics, LLC DBA Color Health
Classification: Benign for Malignant hyperthermia, susceptibility to, 5. Last evaluated: 2022-09-16. Review status: criteria provided, single submitter. Criteria: ACMG Guidelines, 2015. Collection method: clinical testing. Allele origin: germline.

Mayo Clinic Laboratories, Mayo Clinic
Classification: Benign. Last evaluated: 2018-02-28. Review status: criteria provided, single submitter. Criteria: ACMG Guidelines, 2015. Collection method: clinical testing. Allele origin: germline. Observed: 15 variant alleles.

Illumina Laboratory Services, Illumina
Classification: Benign for Hypokalemic periodic paralysis, type 1. Last evaluated: 2018-01-12. Review status: criteria provided, single submitter. Criteria: ICSL Variant Classification Criteria 13 December 2019. Collection method: clinical testing. Allele origin: germline.
Comment: This variant was observed in the ICSL laboratory as part of a predisposition screen in an ostensibly healthy population. It had not been previously curated by ICSL or reported in the Human Gene Mutation Database (HGMD: prior to June 1st, 2018), and was therefore a candidate for classification through an automated scoring system. Utilizing variant allele frequency, disease prevalence and penetrance estimates, and inheritance mode, an automated score was calculated to assess if this variant is too frequent to cause the disease. Based on the score and internal cut-off values, a variant classified as benign is not then subjected to further curation. The score for this variant resulted in a classification of benign for this disease.

Athena Diagnostics
Classification: Benign. Last evaluated: 2017-12-04. Review status: criteria provided, single submitter. Criteria: Athena Diagnostics Criteria. Collection method: clinical testing. Allele origin: germline.

GeneDx
Classification: Benign. Last evaluated: 2016-03-17. Review status: criteria provided, single submitter. Criteria: GeneDx Variant Classification (06012015). Collection method: clinical testing. Allele origin: germline. Affected: yes.
Comment: This variant is considered likely benign or benign based on one or more of the following criteria: it is a conservative change, it occurs at a poorly conserved position in the protein, it is predicted to be benign by multiple in silico algorithms, and/or has population frequency not consistent with disease.

Breakthrough Genomics
Classification: Benign. Review status: criteria provided, single submitter. Criteria: ACMG Guidelines, 2015. Collection method: not provided. Allele origin: germline. Inheritance: Autosomal dominant inheritance. Affected: yes.

PreventionGenetics, part of Exact Sciences
Classification: Benign. Review status: criteria provided, single submitter. Criteria: ACMG Guidelines, 2015. Collection method: clinical testing. Allele origin: germline.